The following is an entry in ClinVar:

ClinVar aggregate classification (germline): Likely benign (1 of 4 stars; one submission).

Submission:

CeGaT Center for Human Genetics Tuebingen
Classification: Likely benign. Last evaluated: 2025-08-01. Review status: criteria provided, single submitter. Criteria: CeGaT Center For Human Genetics Tuebingen Variant Classification Criteria Version 2. Collection method: clinical testing. Allele origin: germline. Affected: yes. Observed: 1 variant allele.
Comment: APC2: BP4, BP7

NM_005883.3(APC2):c.4323C>T (p.His1441=)

Gene: APC2 (APC regulator of Wnt signaling pathway 2; plus strand). Cytogenetic location: 19p13.3.
Variant type: single nucleotide variant.
Coding change: c.4323C>T on transcript NM_005883.3 (MANE Select); coding-DNA position 4323, C replaced by T.
Protein change: p.His1441=; no amino-acid change (histidine 1441 retained).
Molecular consequence: synonymous variant.
Genome position (GRCh38, 1-based): chr19:1,467,624, C>T. VCF-style: chr19-1467624-C-T. GRCh37 (hg19) VCF-style: chr19-1467623-C-T.
Other names: c.4320C>T, p.His1440= (NM_001351273.1).
Identifiers: ClinVar variation 4084989 (VCV004084989.8).